The following is an entry in ClinVar:

NM_032217.5(ANKRD17):c.1313T>C (p.Leu438Pro)

Gene: ANKRD17 (ankyrin repeat domain 17; minus strand). Cytogenetic location: 4q13.3.
Variant type: single nucleotide variant.
Coding change: c.1313T>C on transcript NM_032217.5 (MANE Select); coding-DNA position 1313, T replaced by C.
Protein change: p.Leu438Pro; replaces leucine 438 with proline.
Molecular consequence: missense variant.
Genome position (GRCh38, 1-based): chr4:73,151,446, A>G on the plus strand (T>C on the coding strand, the complement: ANKRD17 is on the minus strand). VCF-style: chr4-73151446-A-G. GRCh37 (hg19) VCF-style: chr4-74017163-A-G.
Other names: c.974T>C, p.Leu325Pro (NM_001286771.3); c.1313T>C, p.Leu438Pro (NM_015574.2, NM_198889.3); short protein forms L325P, L438P.
Identifiers: ClinVar variation 4886532 (VCV004886532.2).

ClinVar aggregate classification (germline): Likely pathogenic (1 of 4 stars; one submission).

Submission:

Dasa
Classification: Likely pathogenic. Last evaluated: 2025-12-23. Review status: criteria provided, single submitter. Criteria: DASA Assertion Criteria. Collection method: clinical testing. Allele origin: germline.
Comment: NM_032217.5(ANKRD17):c.1313T>C (p.Leu438Pro) is a missense variant that results in the substitution of leucine with proline. De novo occurrence has been reported in an individual with ANKRD17-related disorders. This variant is rare in population databases. Computational evidence supports a deleterious effect. Based on the currently available evidence, this variant is classified as likely pathogenic.